The following is an entry in ClinVar:

NM_000090.4(COL3A1):c.3574G>A (p.Ala1192Thr)

Gene: COL3A1 (collagen type III alpha 1 chain; plus strand). Cytogenetic location: 2q32.2.
Variant type: single nucleotide variant.
Coding change: c.3574G>A on transcript NM_000090.4 (MANE Select); coding-DNA position 3574, G replaced by A.
Protein change: p.Ala1192Thr; replaces alanine 1192 with threonine.
Molecular consequence: missense variant.
Genome position (GRCh38, 1-based): chr2:189,008,972, G>A. VCF-style: chr2-189008972-G-A. GRCh37 (hg19) VCF-style: chr2-189873698-G-A.
Other names: short protein forms A1192T.
Identifiers: ClinVar variation 660725 (VCV000660725.8), dbSNP rs141587182, ClinGen allele CA076192.

ClinVar aggregate classification (germline): Uncertain significance. Review status: criteria provided, multiple submitters, no conflicts (2 of 4 stars). 3 submissions from 3 submitters: Uncertain significance (3). Last evaluated 2025-12-23.

Conditions:
Familial thoracic aortic aneurysm and aortic dissection (TAAD). Also called: Thoracic aortic aneurysms and dissections. Identifiers: Orphanet 91387, MedGen C4707243, MONDO:0019625.
Ehlers-Danlos syndrome, type 4 (EDSVASC). Also called: Ehlers-Danlos syndrome vascular type; Ehlers Danlos syndrome, ecchymotic type; Ehlers Danlos syndrome, arterial type; Ehlers Danlos syndrome, Sack-Barabas type; Ehlers-Danlos Syndrome Type IV. Identifiers: Orphanet 286, MedGen C0268338, MONDO:0017314, OMIM 130050.

Allele frequency attached by ClinVar (database versions not stated): gnomAD exomes 0.00001; ExAC 0.00002; gnomAD 0.00002 and 0.00003; TOPMed 0.00003; ESP Exome Variant Server 0.00008.
gnomAD v4.1: 16 of 1,614,028 alleles (0.00099%); highest among the groups gnomAD compares: African/African-American, 0.008%; no homozygotes.

Submissions (3):

Labcorp Genetics (formerly Invitae), Labcorp
Classification: Uncertain significance for Ehlers-Danlos syndrome, type 4. Last evaluated: 2025-12-23. Review status: criteria provided, single submitter. Criteria: Invitae Variant Classification Sherloc (09022015). Collection method: clinical testing. Allele origin: germline.
Comment: This sequence change replaces alanine, which is neutral and non-polar, with threonine, which is neutral and polar, at codon 1192 of the COL3A1 protein (p.Ala1192Thr). This variant is present in population databases (rs141587182, gnomAD 0.007%). This variant has not been reported in the literature in individuals affected with COL3A1-related conditions. ClinVar contains an entry for this variant (Variation ID: 660725). Invitae Evidence Modeling of protein sequence and biophysical properties (such as structural, functional, and spatial information, amino acid conservation, physicochemical variation, residue mobility, and thermodynamic stability) indicates that this missense variant is not expected to disrupt COL3A1 protein function with a negative predictive value of 95%. In summary, the available evidence is currently insufficient to determine the role of this variant in disease. Therefore, it has been classified as a Variant of Uncertain Significance.

Clinical Genomics Laboratory, Washington University in St. Louis
Classification: Uncertain significance for Ehlers-Danlos syndrome, type 4. Last evaluated: 2025-10-06. Review status: criteria provided, single submitter. Criteria: ACMG Guidelines, 2015. Collection method: clinical testing. Allele origin: germline.
Comment: The COL3A1 c.3574G>A (p.Ala1192Thr) variant, to our knowledge, has not been reported in the medical literature. This variant has been reported in the ClinVar database as a germline variant of uncertain significance by one submitter. This variant is only observed in 3/251,270 alleles in the general population (gnomAD v.2.1.1), indicating it is not a common variant. Computational predictors suggest that the variant does not impact COL3A1 function. Due to limited information, and based on ACMG/AMP guidelines for variant interpretation (Richards S et al., PMID: 25741868), the clinical significance of this variant is uncertain at this time.

Color Diagnostics, LLC DBA Color Health
Classification: Uncertain significance for Familial thoracic aortic aneurysm and aortic dissection. Last evaluated: 2025-07-20. Review status: criteria provided, single submitter. Criteria: ACMG Guidelines, 2015. Collection method: clinical testing. Allele origin: germline.
Comment: This missense variant replaces alanine with threonine at codon 1192 of the COL3A1 protein. Computational prediction suggests that this variant may not impact protein structure and function. To our knowledge, functional studies have not been reported for this variant. This variant has not been reported in individuals affected with COL3A1-related disorders in the literature. This variant has been identified in 3/251270 chromosomes in the general population by the Genome Aggregation Database (gnomAD). The available evidence is insufficient to determine the role of this variant in disease conclusively. Therefore, this variant is classified as a Variant of Uncertain Significance.